The following is an entry in ClinVar:

NM_078480.3(PUF60):c.634C>G (p.Gln212Glu)

Gene: PUF60 (poly(U) binding splicing factor 60; minus strand). Cytogenetic location: 8q24.3.
Variant type: single nucleotide variant.
Coding change: c.634C>G on transcript NM_078480.3 (MANE Select); coding-DNA position 634, C replaced by G.
Protein change: p.Gln212Glu; replaces glutamine 212 with glutamic acid.
Molecular consequence: missense variant.
Genome position (GRCh38, 1-based): chr8:143,818,045, G>C on the plus strand (C>G on the coding strand, the complement: PUF60 is on the minus strand). VCF-style: chr8-143818045-G-C. GRCh37 (hg19) VCF-style: chr8-144900215-G-C.
Other names: c.505C>G, p.Gln169Glu (NM_001136033.3); c.580C>G, p.Gln194Glu (NM_001271096.2); c.496C>G, p.Gln166Glu (NM_001271097.2); c.631C>G, p.Gln211Glu (NM_001271098.2); c.547C>G, p.Gln183Glu (NM_001271099.2); c.454C>G, p.Gln152Glu (NM_001271100.2); c.745C>G, p.Gln249Glu (NM_001362895.2, NM_001362896.2); c.694C>G, p.Gln232Glu (NM_001362897.2); and 1 more; short protein forms Q194E, Q195E, Q152E, Q183E, Q249E, Q212E, Q232E, Q166E.
Identifiers: ClinVar variation 5009507 (VCV005009507.1).
Genomic context (GRCh38, chr8:143,818,045, plus strand): 5'-AGGCCACGTAGATGCGGTTGAAGGCCCGTGCCTCCTCAGCCAACTGGTCTATGATGGGCT[G>C]GGCCTGCCCTATGTTGCTGGGTCTGCCCACCTGGGGAAGAGGCGGTGAGATGGAAAGACC-3'
Protein context (NP_510965.1, residues 202-222): VGRPSNIGQA[Gln212Glu]PIIDQLAEEA

ClinVar aggregate classification (germline): Uncertain significance (1 of 4 stars; one submission).

Submission:

GeneDx
Classification: Uncertain significance. Last evaluated: 2026-03-19. Review status: criteria provided, single submitter. Criteria: GeneDx Variant Classification Process June 2021. Collection method: clinical testing. Allele origin: germline.
Comment: Not observed at significant frequency in large population cohorts (gnomAD); In silico analysis suggests that this missense variant does not alter protein structure/function; Has not been previously published as pathogenic or benign to our knowledge